The following continues an entry in ClinVar:

NM_000059.4(BRCA2):c.223G>C (p.Ala75Pro)

Gene: BRCA2. ClinVar aggregate classification (germline): Benign. Benign (1).

Submissions 24 to 31 of 31:

ITMI
No classification provided. Condition: AllHighlyPenetrant. Last evaluated: 2013-09-19. Review status: no classification provided. Collection method: reference population. Allele origin: germline. Not counted in ClinVar's aggregate classification.
Comment: Please see associated publication for description of ethnicities

Sharing Clinical Reports Project (SCRP)
Classification: Benign for Breast-ovarian cancer, familial 2. Last evaluated: 2012-05-01. Review status: no assertion criteria provided. Collection method: clinical testing. Allele origin: germline. Not counted in ClinVar's aggregate classification.

Breast Cancer Information Core (BIC) (BRCA2)
Classification: Uncertain significance for Breast-ovarian cancer, familial 2. Last evaluated: 2002-05-29. Review status: no assertion criteria provided. Collection method: clinical testing. Allele origin: germline. Affected: yes. Observed: 51 variant alleles. Not counted in ClinVar's aggregate classification.

Clinical Genetics DNA and cytogenetics Diagnostics Lab, Erasmus MC, Erasmus Medical Center
Classification: Benign. Review status: no assertion criteria provided. Collection method: clinical testing. Allele origin: germline. Affected: yes. Study: VKGL Data-share Consensus. Not counted in ClinVar's aggregate classification.

Clinical Genetics Laboratory, Department of Pathology, Netherlands Cancer Institute
Classification: Benign. Review status: no assertion criteria provided. Collection method: clinical testing. Allele origin: germline. Affected: yes. Study: VKGL Data-share Consensus. Not counted in ClinVar's aggregate classification.

Department of Pathology and Laboratory Medicine, Sinai Health System
Classification: Benign. Review status: no assertion criteria provided. Collection method: clinical testing. Allele origin: unknown. Affected: yes. Study: The Canadian Open Genetics Repository (COGR). Not counted in ClinVar's aggregate classification.
Comment: The BRCA2 p.Ala75Pro variant was identified in 6 of 9140 proband chromosomes (frequency: 0.001) from individuals with breast, ovarian, or prostate cancer (Borg 2010, de SanJose 2003, Kote-Jarai 2011, Soegaard 2008); however, control chromosomes were not analyzed from these studies, thus the prevalence of the variant in the general population could not be determined. The variant was also identified in dbSNP (ID: rs28897701) â€šÃ„ÃºWith non-pathogenic alleleâ€šÃ„Ã¹, HGMD, UMD (91X as a neutral variant), and the BIC database (51X with unknown clinical importance). The variant was listed in the NHLBI Exome Sequencing Project in 4 of 8600 European American alleles (frequency: 0.0005), increasing the likelihood that it may be a low frequency benign variant in certain populations. This residue is conserved in mammals; however, computational analyses (PolyPhen-2, SIFT, AlignGVGD, BLOSUM) provide inconsistent predictions regarding the impact to the protein and this information is not very predictive of pathogenicity. One functional study found no effect of the variant on mRNA transcript levels as compared to wildtype, and two multifactorial based models predict the variant to be non-pathogenic or of no clinical significance (Muller 2011, Capanu 2011, Lindor 2012). In addition, Myriad classifies this variant as a polymorphism (personal communication). In summary, based on the above information, this variant meets our laboratory's criteria to be classified as benign.

Joint Genome Diagnostic Labs from Nijmegen and Maastricht, Radboudumc and MUMC+
Classification: Benign. Review status: no assertion criteria provided. Collection method: clinical testing. Allele origin: germline. Affected: yes. Study: VKGL Data-share Consensus. Not counted in ClinVar's aggregate classification.

Laboratory of Diagnostic Genome Analysis, Leiden University Medical Center (LUMC)
Classification: Benign. Review status: no assertion criteria provided. Collection method: clinical testing. Allele origin: germline. Affected: yes. Study: VKGL Data-share Consensus. Not counted in ClinVar's aggregate classification.

Literature cited by the submitters: PubMed 21990134 (cited by Evidence-based Network for the Interpretation of Germline Mutant Alleles (ENIGMA)); PubMed 36329109 (cited by Genetics Program, Instituto Nacional de Cancer); PubMed 24728327 (cited by ITMI).